The following is an entry in ClinVar:

NM_004586.3(RPS6KA3):c.999+2dup

Gene: RPS6KA3 (ribosomal protein S6 kinase A3; minus strand). Cytogenetic location: Xp22.12.
Variant type: Duplication.
Coding change: c.999+2dup on transcript NM_004586.3 (MANE Select); the canonical splice donor site of the intron after coding-DNA position 999, one base duplicated (T; older notation c.999+2dupT).
Molecular consequence: splice donor variant.
Genome position (GRCh38, 1-based): chrX:20,176,432, A duplicated on the plus strand (T on the coding strand, the reverse complement: RPS6KA3 is on the minus strand). VCF-style (leftmost placement, unchanged base first): chrX-20176431-T-TA. GRCh37 (hg19) VCF-style: chrX-20194549-T-TA.
Identifiers: ClinVar variation 860809 (VCV000860809.8), dbSNP rs2067702056, ClinGen allele CA916083857.

ClinVar aggregate classification (germline): Uncertain significance (1 of 4 stars; one submission).

Conditions:
Coffin-Lowry syndrome (CLS). Also called: COFFIN-LOWRY SYNDROME, MILD; Mental retardation with osteocartilaginous abnormalities. Identifiers: Orphanet 192, MedGen C0265252, MONDO:0010561, OMIM 303600.
Intellectual developmental disorder, X-linked 19. Also called: Intellectual disability, X-linked 19. Identifiers: Orphanet 777, MedGen C0796225, MONDO:0010447, OMIM 300844.

Submission:

Labcorp Genetics (formerly Invitae), Labcorp
Classification: Uncertain significance for Coffin-Lowry syndrome; Intellectual developmental disorder, X-linked 19. Last evaluated: 2019-05-29. Review status: criteria provided, single submitter. Criteria: Invitae Variant Classification Sherloc (09022015). Collection method: clinical testing. Allele origin: germline.
Comment: In summary, the available evidence is currently insufficient to determine the role of this variant in disease. Therefore, it has been classified as a Variant of Uncertain Significance. Nucleotide substitutions within the consensus splice site are a relatively common cause of aberrant splicing (PMID: 17576681, 9536098). Algorithms developed to predict the effect of sequence changes on RNA splicing suggest that this variant may disrupt the consensus splice site, but this prediction has not been confirmed by published transcriptional studies. This variant has not been reported in the literature in individuals with RPS6KA3-related conditions. This variant is not present in population databases (ExAC no frequency). This sequence change falls in intron 12 of the RPS6KA3 gene. It does not directly change the encoded amino acid sequence of the RPS6KA3 protein, but it affects a nucleotide within the consensus splice site of the intron.

Literature cited by the submitters: PubMed 17576681; PubMed 9536098.